The following is an entry in ClinVar:

NM_000360.4(TH):c.312+6C>T

Gene: TH (tyrosine hydroxylase; minus strand). Cytogenetic location: 11p15.5.
Variant type: single nucleotide variant.
Coding change: c.312+6C>T on transcript NM_000360.4 (MANE Select); 6 bases into the intron after coding-DNA position 312, C replaced by T.
Molecular consequence: intron variant.
Genome position (GRCh38, 1-based): chr11:2,169,644, G>A on the plus strand (C>T on the coding strand, the complement: TH is on the minus strand). VCF-style: chr11-2169644-G-A. GRCh37 (hg19) VCF-style: chr11-2190874-G-A.
Other names: c.393+6C>T (NM_199293.3); c.405+6C>T (NM_199292.3).
Identifiers: ClinVar variation 1514267 (VCV001514267.3), dbSNP rs753670938, ClinGen allele CA216227511.

ClinVar aggregate classification (germline): Uncertain significance (1 of 4 stars; one submission).

Conditions:
TH-deficient dopa-responsive dystonia. Also called: Tyrosine Hydroxylase-Deficient Dopa-Responsive Dystonia; Segawa syndrome, autosomal recessive; DYT-TH. Identifiers: Orphanet 101150, MedGen C2673535, MONDO:0011551, OMIM 605407.

Submission:

Labcorp Genetics (formerly Invitae), Labcorp
Classification: Uncertain significance for TH-deficient dopa-responsive dystonia. Last evaluated: 2021-09-25. Review status: criteria provided, single submitter. Criteria: Invitae Variant Classification Sherloc (09022015). Collection method: clinical testing. Allele origin: germline.
Comment: This sequence change falls in intron 3 of the TH gene. It does not directly change the encoded amino acid sequence of the TH protein. It affects a nucleotide within the consensus splice site of the intron. This variant is not present in population databases (ExAC no frequency). This variant has not been reported in the literature in individuals affected with TH-related conditions. Variants that disrupt the consensus splice site are a relatively common cause of aberrant splicing (PMID: 17576681, 9536098). Algorithms developed to predict the effect of sequence changes on RNA splicing suggest that this variant is not likely to affect RNA splicing. In summary, the available evidence is currently insufficient to determine the role of this variant in disease. Therefore, it has been classified as a Variant of Uncertain Significance.

Literature cited by the submitters: PubMed 17576681; PubMed 9536098.